The following is an entry in ClinVar:

ClinVar aggregate classification (germline): Pathogenic (1 of 4 stars; one submission).

Conditions:
Inborn genetic diseases. Identifiers: MedGen C0950123, MeSH D030342.

Submission:

Ambry Genetics
Classification: Pathogenic for Inborn genetic diseases. Last evaluated: 2021-09-30. Review status: criteria provided, single submitter. Criteria: Ambry Variant Classification Scheme 2023. Collection method: clinical testing. Allele origin: germline.
Comment: The c.326G>A (p.W109*) alteration, located in exon 4 (coding exon 4) of the NAA15 gene, consists of a G to A substitution at nucleotide position 326. This changes the amino acid from a tryptophan (W) to a stop codon at amino acid position 109. This alteration is expected to result in loss of function by premature protein truncation or nonsense-mediated mRNA decay. This variant was not reported in population-based cohorts in the Genome Aggregation Database (gnomAD). Based on the available evidence, this alteration is classified as pathogenic.

NM_057175.5(NAA15):c.326G>A (p.Trp109Ter)

Gene: NAA15 (N-alpha-acetyltransferase 15, NatA auxiliary subunit; plus strand). Cytogenetic location: 4q31.1.
Variant type: single nucleotide variant.
Coding change: c.326G>A on transcript NM_057175.5 (MANE Select); coding-DNA position 326, G replaced by A.
Protein change: p.Trp109Ter; replaces tryptophan 109 with a stop codon.
Molecular consequence: nonsense.
Genome position (GRCh38, 1-based): chr4:139,340,993, G>A. VCF-style: chr4-139340993-G-A. GRCh37 (hg19) VCF-style: chr4-140262147-G-A.
Other names: c.326G>A, p.Trp109Ter (NM_001410842.1, NM_025085.2); short protein forms W109*.
Identifiers: ClinVar variation 2247415 (VCV002247415.2), dbSNP rs2530368695, ClinGen allele CA358259790.